The following is an entry in ClinVar:

NM_025152.3(NUBPL):c.897+81C>T

Gene: NUBPL (NUBP iron-sulfur cluster assembly factor, mitochondrial; plus strand). Cytogenetic location: 14q12.
Variant type: single nucleotide variant.
Coding change: c.897+81C>T on transcript NM_025152.3 (MANE Select); 81 bases into the intron after coding-DNA position 897, C replaced by T.
Molecular consequence: intron variant.
Genome position (GRCh38, 1-based): chr14:31,850,282, C>T. VCF-style: chr14-31850282-C-T. GRCh37 (hg19) VCF-style: chr14-32319488-C-T.
Other names: c.609+81C>T (NM_001201573.2); c.348+81C>T (NM_001201574.2).
Identifiers: ClinVar variation 676163 (VCV000676163.2), dbSNP rs8009002, ClinGen allele CA259022018.

ClinVar aggregate classification (germline): Benign. Review status: criteria provided, multiple submitters, no conflicts (2 of 4 stars). 2 submissions from 2 submitters: Benign (2). Last evaluated 2018-06-14.

Allele frequency attached by ClinVar (database versions not stated): 1000 Genomes Project 0.24261; 1000 Genomes Project 30x 0.25359; gnomAD 0.26283 and 0.27518; TOPMed 0.27928.
gnomAD v4.1: 184,571 of 1,097,756 alleles (17%); highest among the groups gnomAD compares: African/African-American, 56%; 22,198 homozygotes.

Submissions (2):

GeneDx
Classification: Benign. Last evaluated: 2018-06-14. Review status: criteria provided, single submitter. Criteria: GeneDx Variant Classification (06012015). Collection method: clinical testing. Allele origin: germline. Affected: yes.
Comment: This variant is considered likely benign or benign based on one or more of the following criteria: it is a conservative change, it occurs at a poorly conserved position in the protein, it is predicted to be benign by multiple in silico algorithms, and/or has population frequency not consistent with disease.

Breakthrough Genomics
Classification: Benign. Review status: criteria provided, single submitter. Criteria: ACMG Guidelines, 2015. Collection method: not provided. Allele origin: germline. Inheritance: Autosomal recessive inheritance. Affected: yes.